The following is an entry in ClinVar:

ClinVar aggregate classification (germline): Benign/Likely benign. Review status: criteria provided, multiple submitters, no conflicts (2 of 4 stars). 13 submissions from 13 submitters: Benign (6); Likely benign (6). 1 of the submissions does not count toward it. Last evaluated 2026-08-01.

Conditions:
Polymerase proofreading-related adenomatous polyposis. Also called: Polymerase proofreading associated polyposis; Polymerase proofreading–associated polyposis (PPAP). Identifiers: Orphanet 447877, MedGen C5202613, MONDO:0018653.
Familial colorectal cancer type X. Identifiers: Orphanet 440437, MedGen C3896578, MONDO:0018604.
Hereditary cancer-predisposing syndrome. Also called: Hereditary neoplastic syndrome; Hereditary Cancer Syndrome; Neoplastic Syndromes, Hereditary; Tumor predisposition. Identifiers: Orphanet 140162, MedGen C0027672, MeSH D009386, MONDO:0015356.

Allele frequency attached by ClinVar (database versions not stated): gnomAD exomes 0.00072 and 0.00117; ExAC 0.00139; gnomAD 0.00303 and 0.00320; ESP Exome Variant Server 0.00323; 1000 Genomes Project 30x 0.00344; TOPMed 0.00368; 1000 Genomes Project 0.00379.
gnomAD v4.1: 1,522 of 1,614,200 alleles (0.094%); highest among the groups gnomAD compares: East Asian, 1.4%; 9 homozygotes.

Submissions (13):

CeGaT Center for Human Genetics Tuebingen
Classification: Likely benign. Last evaluated: 2026-08-01. Review status: criteria provided, single submitter. Criteria: CeGaT Center For Human Genetics Tuebingen Variant Classification Criteria Version 2. Collection method: clinical testing. Allele origin: germline. Affected: yes. Observed: 5 variant alleles.
Comment: POLE: BP4, BP7, BS1

Labcorp Genetics (formerly Invitae), Labcorp
Classification: Benign. Last evaluated: 2026-02-04. Review status: criteria provided, single submitter. Criteria: Invitae Variant Classification Sherloc (09022015). Collection method: clinical testing. Allele origin: germline.

Center for Genomic Medicine, Rigshospitalet, Copenhagen University Hospital
Classification: Likely benign. Last evaluated: 2025-03-04. Review status: criteria provided, single submitter. Criteria: ACMG Guidelines, 2015. Collection method: clinical testing. Allele origin: germline.

Blueprint Genetics
Classification: Likely benign. Last evaluated: 2024-11-26. Review status: criteria provided, single submitter. Criteria: ACMG Guidelines, 2015. Collection method: clinical testing. Allele origin: germline.

Department of Pathology and Laboratory Medicine, Sinai Health System
Classification: Benign for Polymerase proofreading-related adenomatous polyposis; Familial colorectal cancer type X. Last evaluated: 2024-01-19. Review status: criteria provided, single submitter. Criteria: ACMG Guidelines, 2015. Collection method: clinical testing. Allele origin: germline. Affected: yes.

Quest Diagnostics Nichols Institute San Juan Capistrano
Classification: Benign. Last evaluated: 2023-02-15. Review status: criteria provided, single submitter. Criteria: Quest Diagnostics criteria. Collection method: clinical testing. Allele origin: unknown.

GeneDx
Classification: Likely benign. Last evaluated: 2021-09-20. Review status: criteria provided, single submitter. Criteria: GeneDx Variant Classification Process June 2021. Collection method: clinical testing. Allele origin: germline. Affected: yes.

Genetic Services Laboratory, University of Chicago
Classification: Likely benign. Last evaluated: 2021-06-07. Review status: criteria provided, single submitter. Criteria: ACMG Guidelines, 2015. Collection method: clinical testing. Allele origin: germline. Affected: no.

Women's Health and Genetics/Laboratory Corporation of America, LabCorp
Classification: Benign. Last evaluated: 2019-04-01. Review status: criteria provided, single submitter. Criteria: LabCorp Variant Classification Summary - May 2015. Collection method: clinical testing. Allele origin: germline.
Comment: Variant summary: POLE c.123G>A alters a non-conserved nucleotide resulting in a synonymous change. 5/5 computational tools predict no significant impact on normal splicing. However, these predictions have yet to be confirmed by functional studies. The variant allele was found at a frequency of 0.0014 in 277224 control chromosomes, predominantly at a frequency of 0.01 within the African subpopulation in the gnomAD database, including 2 homozygotes. The observed variant frequency within African control individuals in the gnomAD database is approximately 704 fold of the estimated maximal expected allele frequency for a pathogenic variant in POLE causing Colorectal Cancer phenotype (1.4e-05), strongly suggesting that the variant is a benign polymorphism found primarily in populations of African origin. To our knowledge, no occurrence of c.123G>A in individuals affected with Colorectal Cancer and no experimental evidence demonstrating its impact on protein function have been reported. One clinical diagnostic laboratory has submitted clinical-significance assessments for this variant to ClinVar after 2014 without evidence for independent evaluation and classified the variant as likely benign. Based on the evidence outlined above, the variant was classified as benign.

PreventionGenetics, part of Exact Sciences
Classification: Benign. Last evaluated: 2017-08-11. Review status: criteria provided, single submitter. Criteria: ACMG Guidelines, 2015. Collection method: clinical testing. Allele origin: germline.

Ambry Genetics
Classification: Benign for Hereditary cancer-predisposing syndrome. Last evaluated: 2015-06-27. Review status: criteria provided, single submitter. Criteria: Ambry Variant Classification Scheme 2023. Collection method: clinical testing. Allele origin: germline.

Breakthrough Genomics
Classification: Likely benign. Review status: criteria provided, single submitter. Criteria: ACMG Guidelines, 2015. Collection method: not provided. Allele origin: germline. Inheritance: Autosomal recessive inheritance. Affected: yes.

True Health Diagnostics
Classification: Likely benign for Hereditary cancer-predisposing syndrome. Last evaluated: 2017-10-25. Review status: no assertion criteria provided. Collection method: clinical testing. Allele origin: germline. Not counted in ClinVar's aggregate classification.

NM_006231.4(POLE):c.123G>A (p.Thr41=)

Gene: POLE (DNA polymerase epsilon, catalytic subunit; minus strand). Cytogenetic location: 12q24.33.
Variant type: single nucleotide variant.
Coding change: c.123G>A on transcript NM_006231.4 (MANE Select); coding-DNA position 123, G replaced by A.
Protein change: p.Thr41=; no amino-acid change (threonine 41 retained).
Molecular consequence: synonymous variant.
Genome position (GRCh38, 1-based): chr12:132,681,219, C>T on the plus strand (G>A on the coding strand, the complement: POLE is on the minus strand). VCF-style: chr12-132681219-C-T. GRCh37 (hg19) VCF-style: chr12-133257805-C-T.
Identifiers: ClinVar variation 240383 (VCV000240383.38), dbSNP rs5744734, ClinGen allele CA6894439.